The following is an entry in ClinVar:

NM_006231.4(POLE):c.1387G>T (p.Ala463Ser)

Gene: POLE (DNA polymerase epsilon, catalytic subunit; minus strand). Cytogenetic location: 12q24.33.
Variant type: single nucleotide variant.
Coding change: c.1387G>T on transcript NM_006231.4 (MANE Select); coding-DNA position 1387, G replaced by T.
Protein change: p.Ala463Ser; replaces alanine 463 with serine.
Molecular consequence: missense variant.
Genome position (GRCh38, 1-based): chr12:132,673,250, C>A on the plus strand (G>T on the coding strand, the complement: POLE is on the minus strand). VCF-style: chr12-132673250-C-A. GRCh37 (hg19) VCF-style: chr12-133249836-C-A.
Other names: c.1387G>T (NM_006231.2); short protein forms A463S.
Identifiers: ClinVar variation 2838767 (VCV002838767.4), dbSNP rs760275976, ClinGen allele CA387358665.

ClinVar aggregate classification (germline): Uncertain significance. Review status: criteria provided, multiple submitters, no conflicts (2 of 4 stars). 2 submissions from 2 submitters: Uncertain significance (2). Last evaluated 2026-02-03.

Conditions:
Hereditary cancer-predisposing syndrome. Also called: Tumor predisposition; Neoplastic Syndromes, Hereditary; Hereditary Cancer Syndrome; Hereditary neoplastic syndrome. Identifiers: Orphanet 140162, MedGen C0027672, MeSH D009386, MONDO:0015356.

Submissions (2):

Ambry Genetics
Classification: Uncertain significance for Hereditary cancer-predisposing syndrome. Last evaluated: 2026-02-03. Review status: criteria provided, single submitter. Criteria: Ambry Variant Classification Scheme 2023. Collection method: clinical testing. Allele origin: germline.
Comment: The p.A463S variant (also known as c.1387G>T), located in coding exon 14 of the POLE gene, results from a G to T substitution at nucleotide position 1387. The alanine at codon 463 is replaced by serine, an amino acid with similar properties. This amino acid position is highly conserved in available vertebrate species. In addition, the in silico prediction for this alteration is inconclusive. Based on the available evidence, the clinical significance of this variant remains unclear.

Labcorp Genetics (formerly Invitae), Labcorp
Classification: Uncertain significance. Last evaluated: 2023-08-16. Review status: criteria provided, single submitter. Criteria: Invitae Variant Classification Sherloc (09022015). Collection method: clinical testing. Allele origin: germline.
Comment: This sequence change replaces alanine, which is neutral and non-polar, with serine, which is neutral and polar, at codon 463 of the POLE protein (p.Ala463Ser). In summary, the available evidence is currently insufficient to determine the role of this variant in disease. Therefore, it has been classified as a Variant of Uncertain Significance. Advanced modeling of protein sequence and biophysical properties (such as structural, functional, and spatial information, amino acid conservation, physicochemical variation, residue mobility, and thermodynamic stability) performed at Invitae indicates that this missense variant is expected to disrupt POLE protein function. This variant has not been reported in the literature in individuals affected with POLE-related conditions. This variant is not present in population databases (gnomAD no frequency).